The following is an entry in ClinVar:

NM_004281.4(BAG3):c.850A>G (p.Ser284Gly)

Gene: BAG3 (BAG cochaperone 3; plus strand). Cytogenetic location: 10q26.11.
Variant type: single nucleotide variant.
Coding change: c.850A>G on transcript NM_004281.4 (MANE Select); coding-DNA position 850, A replaced by G.
Protein change: p.Ser284Gly; replaces serine 284 with glycine.
Molecular consequence: missense variant.
Genome position (GRCh38, 1-based): chr10:119,672,597, A>G. VCF-style: chr10-119672597-A-G. GRCh37 (hg19) VCF-style: chr10-121432109-A-G.
Other names: short protein forms S284G.
Identifiers: ClinVar variation 4794384 (VCV004794384.1).

ClinVar aggregate classification (germline): Uncertain significance (1 of 4 stars; one submission).

Conditions:
Myofibrillar myopathy 6. Identifiers: Orphanet 199340, MedGen C2751831, MONDO:0013061, OMIM 612954.
Dilated cardiomyopathy 1HH (CMD1HH). Identifiers: Orphanet 154, MedGen C3151293, MONDO:0013479, OMIM 613881.

gnomAD v4.1: 2 of 1,614,058 alleles (0.00012%); highest among the groups gnomAD compares: African/African-American, 0.0013%; no homozygotes.

Submission:

Labcorp Genetics (formerly Invitae), Labcorp
Classification: Uncertain significance for Dilated cardiomyopathy 1HH; Myofibrillar myopathy 6. Last evaluated: 2025-09-27. Review status: criteria provided, single submitter. Criteria: Invitae Variant Classification Sherloc (09022015). Collection method: clinical testing. Allele origin: germline.
Comment: This sequence change replaces serine, which is neutral and polar, with glycine, which is neutral and non-polar, at codon 284 of the BAG3 protein (p.Ser284Gly). This variant is not present in population databases (gnomAD no frequency). This variant has not been reported in the literature in individuals affected with BAG3-related conditions. Invitae Evidence Modeling of protein sequence and biophysical properties (such as structural, functional, and spatial information, amino acid conservation, physicochemical variation, residue mobility, and thermodynamic stability) indicates that this missense variant is not expected to disrupt BAG3 protein function with a negative predictive value of 80%. In summary, the available evidence is currently insufficient to determine the role of this variant in disease. Therefore, it has been classified as a Variant of Uncertain Significance.